The following is an entry in ClinVar:

NM_000064.4(C3):c.4888C>T (p.His1630Tyr)

Gene: C3 (complement C3; minus strand). Cytogenetic location: 19p13.3.
Variant type: single nucleotide variant.
Coding change: c.4888C>T on transcript NM_000064.4 (MANE Select); coding-DNA position 4888, C replaced by T.
Protein change: p.His1630Tyr; replaces histidine 1630 with tyrosine.
Molecular consequence: missense variant.
Genome position (GRCh38, 1-based): chr19:6,677,986, G>A on the plus strand (C>T on the coding strand, the complement: C3 is on the minus strand). VCF-style: chr19-6677986-G-A. GRCh37 (hg19) VCF-style: chr19-6677997-G-A.
Other names: short protein forms H1630Y.
Identifiers: ClinVar variation 4769717 (VCV004769717.1).

ClinVar aggregate classification (germline): Uncertain significance (1 of 4 stars; one submission).

gnomAD v4.1: 2 of 1,614,166 alleles (0.00012%); highest among the groups gnomAD compares: Non-Finnish European, 0.00017%; no homozygotes.

Submission:

Labcorp Genetics (formerly Invitae), Labcorp
Classification: Uncertain significance. Last evaluated: 2026-01-22. Review status: criteria provided, single submitter. Criteria: Invitae Variant Classification Sherloc (09022015). Collection method: clinical testing. Allele origin: germline.
Comment: This sequence change replaces histidine, which is basic and polar, with tyrosine, which is neutral and polar, at codon 1630 of the C3 protein (p.His1630Tyr). This variant is not present in population databases (gnomAD no frequency). This variant has not been reported in the literature in individuals affected with C3-related conditions. Invitae Evidence Modeling of protein sequence and biophysical properties (such as structural, functional, and spatial information, amino acid conservation, physicochemical variation, residue mobility, and thermodynamic stability) indicates that this missense variant is not expected to disrupt C3 protein function with a negative predictive value of 80%. In summary, the available evidence is currently insufficient to determine the role of this variant in disease. Therefore, it has been classified as a Variant of Uncertain Significance.